The following is an entry in ClinVar:

ClinVar aggregate classification (germline): Uncertain significance (1 of 4 stars; one submission).

Conditions:
Charcot-Marie-Tooth disease, demyelinating, type 1J. Also called: CHARCOT-MARIE-TOOTH NEUROPATHY, DEMYELINATING, TYPE 1J. Identifiers: MedGen C5774249, MONDO:0859311, OMIM 620111.

Submission:

3billion
Classification: Uncertain significance for Charcot-Marie-Tooth disease, demyelinating, type 1J. Last evaluated: 2025-06-04. Review status: criteria provided, single submitter. Criteria: ACMG Guidelines, 2015. Collection method: clinical testing. Allele origin: germline. Affected: yes.
Comment: The variant is not observed in the gnomAD v4.1.0 dataset. Predicted Consequence/Location: Missense variant. Missense changes are a common disease-causing mechanism. In silico tool predictions suggest damaging effect of the variant on gene or gene product [3Cnet: 0.99 (> 0.75, sensitivity 0.96 and precision 0.92)]. Therefore, this variant is classified as VUS according to the recommendation of ACMG/AMP guideline.

NM_002224.4(ITPR3):c.7695G>A (p.Met2565Ile)

Gene: ITPR3 (inositol 1,4,5-trisphosphate receptor type 3; plus strand). Cytogenetic location: 6p21.31.
Variant type: single nucleotide variant.
Coding change: c.7695G>A on transcript NM_002224.4 (MANE Select); coding-DNA position 7695, G replaced by A.
Protein change: p.Met2565Ile; replaces methionine 2565 with isoleucine.
Molecular consequence: missense variant.
Genome position (GRCh38, 1-based): chr6:33,693,615, G>A. VCF-style: chr6-33693615-G-A. GRCh37 (hg19) VCF-style: chr6-33661392-G-A.
Other names: short protein forms M2565I.
Identifiers: ClinVar variation 4855485 (VCV004855485.1).